The following is an entry in ClinVar:

NM_004082.5(DCTN1):c.2683A>G (p.Ile895Val)

Gene: DCTN1 (dynactin subunit 1; minus strand). Cytogenetic location: 2p13.1.
Variant type: single nucleotide variant.
Coding change: c.2683A>G on transcript NM_004082.5 (MANE Select); coding-DNA position 2683, A replaced by G.
Protein change: p.Ile895Val; replaces isoleucine 895 with valine.
Molecular consequence: missense variant. On other transcripts: non-coding transcript variant (1).
Genome position (GRCh38, 1-based): chr2:74,366,321, T>C on the plus strand (A>G on the coding strand, the complement: DCTN1 is on the minus strand). VCF-style: chr2-74366321-T-C. GRCh37 (hg19) VCF-style: chr2-74593448-T-C.
Other names: c.2623A>G, p.Ile875Val (NM_001135040.3); c.2281A>G, p.Ile761Val (NM_001135041.3, NM_023019.4); c.2572A>G, p.Ile858Val (NM_001190836.2); c.2662A>G, p.Ile888Val (NM_001190837.2); c.2632A>G, p.Ile878Val (NM_001378991.1); c.2614A>G, p.Ile872Val (NM_001378992.1); short protein forms I875V, I858V, I878V, I761V, I872V, I888V, I895V.
Identifiers: ClinVar variation 4792280 (VCV004792280.1).

ClinVar aggregate classification (germline): Uncertain significance (1 of 4 stars; one submission).

Conditions:
Amyotrophic lateral sclerosis type 1 (ALS1). Also called: AMYOTROPHIC LATERAL SCLEROSIS 1, FAMILIAL. Identifiers: Orphanet 803, MedGen C1862939, MONDO:0007103, OMIM 105400.
Neuronopathy, distal hereditary motor, type 7B. Also called: HMN VIIB; LOWER MOTOR NEURON DISEASE, DYNACTIN TYPE; NEURONOPATHY, DISTAL HEREDITARY MOTOR, AUTOSOMAL DOMINANT 14; NEURONOPATHY, DISTAL HEREDITARY MOTOR, HARDING TYPE VIIB; NEUROPATHY, DISTAL HEREDITARY MOTOR, HARDING TYPE VIIB; NEUROPATHY, DISTAL HEREDITARY MOTOR, WITH VOCAL CORD PARALYSIS, HARDING TYPE VIIB. Identifiers: Orphanet 139589, MedGen C1843315, MONDO:0011879, OMIM 607641.
Perry syndrome. Also called: PARKINSONISM WITH ALVEOLAR HYPOVENTILATION AND MENTAL DEPRESSION. Identifiers: Orphanet 178509, MedGen C1868594, MONDO:0008201, OMIM 168605.

Submission:

Labcorp Genetics (formerly Invitae), Labcorp
Classification: Uncertain significance for Amyotrophic lateral sclerosis type 1; Neuronopathy, distal hereditary motor, type 7B; Perry syndrome. Last evaluated: 2025-11-26. Review status: criteria provided, single submitter. Criteria: Invitae Variant Classification Sherloc (09022015). Collection method: clinical testing. Allele origin: germline.
Comment: This sequence change replaces isoleucine, which is neutral and non-polar, with valine, which is neutral and non-polar, at codon 895 of the DCTN1 protein (p.Ile895Val). This variant is not present in population databases (gnomAD no frequency). This variant has not been reported in the literature in individuals affected with DCTN1-related conditions. Invitae Evidence Modeling of protein sequence and biophysical properties (such as structural, functional, and spatial information, amino acid conservation, physicochemical variation, residue mobility, and thermodynamic stability) indicates that this missense variant is not expected to disrupt DCTN1 protein function with a negative predictive value of 95%. In summary, the available evidence is currently insufficient to determine the role of this variant in disease. Therefore, it has been classified as a Variant of Uncertain Significance.